The following is an entry in ClinVar:

NM_001042492.3(NF1):c.5126_5127delinsG (p.Ile1709fs)

Gene: NF1 (neurofibromin 1; plus strand). Cytogenetic location: 17q11.2.
Variant type: Indel.
Coding change: c.5126_5127delinsG on transcript NM_001042492.3 (MANE Select); coding-DNA positions 5126 to 5127, TA replaced by G.
Protein change: p.Ile1709fs; shifts the reading frame from isoleucine 1709.
Molecular consequence: frameshift variant.
Genome position (GRCh38, 1-based): chr17:31,326,110-31,326,111, TA replaced by G. VCF-style: chr17-31326110-TA-G. GRCh37 (hg19) VCF-style: chr17-29653128-TA-G.
Other names: c.5063_5064delTAinsG, p.Ile1688Argfs (NM_000267.4); short protein forms I1688fs, I1709fs.
Identifiers: ClinVar variation 3027388 (VCV003027388.22), dbSNP rs2508697350, ClinGen allele CA2740095307.

ClinVar aggregate classification (germline): Pathogenic (1 of 4 stars; one submission).

Submission:

CeGaT Center for Human Genetics Tuebingen
Classification: Pathogenic. Last evaluated: 2024-02-01. Review status: criteria provided, single submitter. Criteria: CeGaT Center For Human Genetics Tuebingen Variant Classification Criteria Version 2. Collection method: clinical testing. Allele origin: germline. Affected: yes. Observed: 1 variant allele.
Comment: NF1: PVS1, PM2